The following is an entry in ClinVar:

ClinVar aggregate classification (germline): Uncertain significance (1 of 4 stars; one submission).

Conditions:
Hereditary cancer-predisposing syndrome. Also called: Neoplastic Syndromes, Hereditary; Tumor predisposition; Hereditary neoplastic syndrome; Hereditary Cancer Syndrome. Identifiers: Orphanet 140162, MedGen C0027672, MeSH D009386, MONDO:0015356.

Submission:

Ambry Genetics
Classification: Uncertain significance for Hereditary cancer-predisposing syndrome. Last evaluated: 2024-04-14. Review status: criteria provided, single submitter. Criteria: Ambry Variant Classification Scheme 2023. Collection method: clinical testing. Allele origin: germline.
Comment: The p.E178G variant (also known as c.533A>G), located in coding exon 5 of the SDHB gene, results from an A to G substitution at nucleotide position 533. The glutamic acid at codon 178 is replaced by glycine, an amino acid with similar properties. This amino acid position is conserved. In addition, the in silico prediction for this alteration is inconclusive. Based on the available evidence, the clinical significance of this variant remains unclear.

NM_003000.3(SDHB):c.533A>G (p.Glu178Gly)

Gene: SDHB (succinate dehydrogenase complex iron sulfur subunit B; minus strand). Cytogenetic location: 1p36.13.
Variant type: single nucleotide variant.
Coding change: c.533A>G on transcript NM_003000.3 (MANE Select); coding-DNA position 533, A replaced by G.
Protein change: p.Glu178Gly; replaces glutamic acid 178 with glycine.
Molecular consequence: missense variant.
Genome position (GRCh38, 1-based): chr1:17,027,756, T>C on the plus strand (A>G on the coding strand, the complement: SDHB is on the minus strand). VCF-style: chr1-17027756-T-C. GRCh37 (hg19) VCF-style: chr1-17354251-T-C.
Other names: c.479A>G, p.Glu160Gly (NM_001407361.1); short protein forms E160G, E178G.
Identifiers: ClinVar variation 3316888 (VCV003316888.1).
Genomic context (GRCh38, chr1:17,027,756, plus strand): 5'-ATCATCTTTGCAATAAATTCTTCAGATTGAAACAATAAATAGGGACTAATGACCAGTTTC[T>C]CACGCTCTTCTATGGACTGCAGATACTGCTGCTTGCCTTCCTGAGATTCATCCTTCTTCT-3'
Protein context (NP_002991.2, residues 168-188): QQYLQSIEER[Glu178Gly]KLDGLYECIL